The following is an entry in ClinVar:

ClinVar aggregate classification (germline): Uncertain significance (1 of 4 stars; one submission).

Conditions:
Microcephaly 15, primary, autosomal recessive (NEDMISBA). Also called: NEURODEVELOPMENTAL DISORDER WITH PROGRESSIVE MICROCEPHALY, SPASTICITY, AND BRAIN IMAGING ABNORMALITIES. Identifiers: Orphanet 2512, MedGen C4225310, MONDO:0014660, OMIM 616486.

Submission:

Victorian Clinical Genetics Services, Murdoch Childrens Research Institute
Classification: Uncertain significance for Microcephaly 15, primary, autosomal recessive. Last evaluated: 2023-07-17. Review status: criteria provided, single submitter. Criteria: ACMG Guidelines, 2015. Collection method: clinical testing. Allele origin: germline. Inheritance: Autosomal recessive inheritance. Affected: yes.
Comment: Based on the classification scheme VCGS_Germline_v1.3.4, this variant is classified as VUS-3C. Following criteria are met: 0102 - Loss of function is a known mechanism of disease in this gene and is associated with neurodevelopmental disorder with progressive microcephaly, spasticity, and brain abnormalities (MIM#616486). (I) 0106 - This gene is associated with autosomal recessive disease. (I) 0200 - Variant is predicted to result in a missense amino acid change from methionine to leucine. (I) 0251 - This variant is heterozygous. (I) 0301 - Variant is absent from gnomAD (both v2 and v3). (SP) 0309 - An alternative amino acid change at the same position has been observed in gnomAD (v3) (1 heterozygote, 0 homozygotes). (I) 0503 - Missense variant consistently predicted to be tolerated by multiple in silico tools or not conserved in placental mammals with a minor amino acid change. (SB) 0600 - Variant is located in the annotated MFS/sugar transport protein (DECIPHER). (I) 0705 - No comparable missense variants have previous evidence for pathogenicity. (I) 0807 - This variant has no previous evidence of pathogenicity. (I) 0905 - No published segregation evidence has been identified for this variant. (I) 1007 - No published functional evidence has been identified for this variant. (I) Legend: (SP) - Supporting pathogenic, (I) - Information, (SB) - Supporting benign

NM_032793.5(MFSD2A):c.1414A>C (p.Met472Leu)

Gene: MFSD2A (MFSD2 lysolipid transporter A, lysophospholipid; plus strand). Cytogenetic location: 1p34.2.
Variant type: single nucleotide variant.
Coding change: c.1414A>C on transcript NM_032793.5 (MANE Select); coding-DNA position 1414, A replaced by C.
Protein change: p.Met472Leu; replaces methionine 472 with leucine.
Molecular consequence: missense variant. On other transcripts: non-coding transcript variant (1).
Genome position (GRCh38, 1-based): chr1:39,968,630, A>C. VCF-style: chr1-39968630-A-C. GRCh37 (hg19) VCF-style: chr1-40434302-A-C.
Other names: c.1453A>C, p.Met485Leu (NM_001136493.3); c.946A>C, p.Met316Leu (NM_001287808.2); c.1297A>C, p.Met433Leu (NM_001287809.2); c.1408A>C, p.Met470Leu (NM_001349821.2); c.1330A>C, p.Met444Leu (NM_001349822.2); c.1069A>C, p.Met357Leu (NM_001349823.2); short protein forms M316L, M357L, M433L, M444L, M470L, M472L, M485L.
Identifiers: ClinVar variation 3254815 (VCV003254815.1), dbSNP rs2522980577.